The following is an entry in ClinVar:

NM_001734.5(C1S):c.572A>G (p.Asn191Ser)

Gene: C1S (complement C1s; plus strand). Cytogenetic location: 12p13.31.
Variant type: single nucleotide variant.
Coding change: c.572A>G on transcript NM_001734.5 (MANE Select); coding-DNA position 572, A replaced by G.
Protein change: p.Asn191Ser; replaces asparagine 191 with serine.
Molecular consequence: missense variant.
Genome position (GRCh38, 1-based): chr12:7,065,154, A>G. VCF-style: chr12-7065154-A-G. GRCh37 (hg19) VCF-style: chr12-7172458-A-G.
Other names: c.71A>G, p.Asn24Ser (NM_001346850.2); c.572A>G, p.Asn191Ser (NM_201442.4); short protein forms N191S, N24S.
Identifiers: ClinVar variation 2631657 (VCV002631657.3), dbSNP rs782443925, ClinGen allele CA6423501.

ClinVar aggregate classification (germline): Uncertain significance. Review status: criteria provided, multiple submitters, no conflicts (2 of 4 stars). 2 submissions from 2 submitters: Uncertain significance (2). Last evaluated 2024-05-28.

Conditions:
C1S-related disorder. Also called: C1S-related condition.

Allele frequency attached by ClinVar (database versions not stated): gnomAD exomes below 0.00001; ExAC 0.00002.
gnomAD v4.1: 4 of 1,614,146 alleles (0.00025%); highest among the groups gnomAD compares: Admixed American, 0.0017%; no homozygotes.

Submissions (2):

Labcorp Genetics (formerly Invitae), Labcorp
Classification: Uncertain significance. Last evaluated: 2024-05-28. Review status: criteria provided, single submitter. Criteria: Invitae Variant Classification Sherloc (09022015). Collection method: clinical testing. Allele origin: germline.
Comment: This sequence change replaces asparagine, which is neutral and polar, with serine, which is neutral and polar, at codon 191 of the C1S protein (p.Asn191Ser). This variant is present in population databases (rs782443925, gnomAD 0.003%). This variant has not been reported in the literature in individuals affected with C1S-related conditions. ClinVar contains an entry for this variant (Variation ID: 2631657). Advanced modeling of protein sequence and biophysical properties (such as structural, functional, and spatial information, amino acid conservation, physicochemical variation, residue mobility, and thermodynamic stability) performed at Invitae indicates that this missense variant is not expected to disrupt C1S protein function with a negative predictive value of 80%. In summary, the available evidence is currently insufficient to determine the role of this variant in disease. Therefore, it has been classified as a Variant of Uncertain Significance.

PreventionGenetics, part of Exact Sciences
Classification: Uncertain significance for C1S-related condition. Last evaluated: 2023-07-30. Review status: criteria provided, single submitter. Criteria: ACMG Guidelines, 2015. Collection method: clinical testing. Allele origin: germline.
Comment: The C1S c.572A>G variant is predicted to result in the amino acid substitution p.Asn191Ser. To our knowledge, this variant has not been reported in the literature. This variant is reported in 0.0029% of alleles in individuals of Latino descent in gnomAD. At this time, the clinical significance of this variant is uncertain due to the absence of conclusive functional and genetic evidence.